The following is an entry in ClinVar:

ClinVar aggregate classification (germline): Likely benign. Review status: criteria provided, single submitter (1 of 4 stars). 2 submissions from 2 submitters: Likely benign (1). 1 of the submissions does not count toward it. Last evaluated 2025-04-17.

Conditions:
FLNA-related disorder.
Oto-palato-digital syndrome, type II (OPD2). Also called: Otopalatodigital Syndrome Type 2 (FLNA-OPD2); FACIOPALATOOSSEOUS SYNDROME; OPD II SYNDROME; Otopalatodigital Syndrome, Type II. Identifiers: Orphanet 669, Orphanet 90652, MedGen C1844696, MONDO:0010571, OMIM 304120.
Heterotopia, periventricular, X-linked dominant (PVNH1). Also called: PERIVENTRICULAR NODULAR HETEROTOPIA 1; X-linked periventricular heterotopia; PERIVENTRICULAR NODULAR HETEROTOPIA 4; HETEROTOPIA, PERIVENTRICULAR, 1. Identifiers: Orphanet 2149, Orphanet 82004, MedGen C1848213, MONDO:0010233, OMIM 300049.
Melnick-Needles syndrome (MNS). Also called: Melnick-Needles Syndrome (FLNA-MNS); MELNICK-NEEDLES OSTEODYSPLASTY; OSTEODYSPLASTY OF MELNICK AND NEEDLES. Identifiers: Orphanet 2484, MedGen C0025237, MONDO:0010650, OMIM 309350.
Frontometaphyseal dysplasia (FMD1). Identifiers: Orphanet 1826, MedGen C0265293, MONDO:0015942.

Allele frequency attached by ClinVar (database versions not stated): gnomAD exomes below 0.00001.
gnomAD v4.1: 3 of 1,209,214 alleles (0.00025%); highest among the groups gnomAD compares: Admixed American, 0.0044%; no homozygotes.

Submissions (2):

Labcorp Genetics (formerly Invitae), Labcorp
Classification: Likely benign for Oto-palato-digital syndrome, type II; Heterotopia, periventricular, X-linked dominant; Frontometaphyseal dysplasia; Melnick-Needles syndrome. Last evaluated: 2025-04-17. Review status: criteria provided, single submitter. Criteria: Invitae Variant Classification Sherloc (09022015). Collection method: clinical testing. Allele origin: germline.

PreventionGenetics, part of Exact Sciences
Classification: Likely benign for FLNA-related condition. Last evaluated: 2022-10-27. Review status: no assertion criteria provided. Collection method: clinical testing. Allele origin: germline. Not counted in ClinVar's aggregate classification.
Comment: This variant is classified as likely benign based on ACMG/AMP sequence variant interpretation guidelines (Richards et al. 2015 PMID: 25741868, with internal and published modifications).

NM_001110556.2(FLNA):c.3207+10G>A

Gene: FLNA (filamin A; minus strand). Cytogenetic location: Xq28.
Variant type: single nucleotide variant.
Coding change: c.3207+10G>A on transcript NM_001110556.2 (MANE Select); 10 bases into the intron after coding-DNA position 3207, G replaced by A.
Molecular consequence: intron variant.
Genome position (GRCh38, 1-based): chrX:154,361,298, C>T on the plus strand (G>A on the coding strand, the complement: FLNA is on the minus strand). VCF-style: chrX-154361298-C-T. GRCh37 (hg19) VCF-style: chrX-153589666-C-T.
Other names: c.3207+10G>A (NM_001110556.1, NM_001456.4).
Identifiers: ClinVar variation 2923500 (VCV002923500.5), dbSNP rs1557177991, ClinGen allele CA645290268.
Genomic context (GRCh38, chrX:154,361,298, plus strand): 5'-ATGGGGTACCTTTGGGGCCCTCAGAGAGCACAGTGGGTTCTACCCTTAGGGCCTCCCATA[C>T]CCCAATTACCTTGCTAGGCTTGGTGGGGGCCACAGCTTCCAGAGGAAAGGGGCTGCCAGG-3'